The following is an entry in ClinVar:

NM_001127217.3(SMAD9):c.1260+17A>C

Gene: SMAD9 (SMAD family member 9; minus strand). Cytogenetic location: 13q13.3.
Variant type: single nucleotide variant.
Coding change: c.1260+17A>C on transcript NM_001127217.3 (MANE Select); 17 bases into the intron after coding-DNA position 1260, A replaced by C.
Molecular consequence: intron variant.
Genome position (GRCh38, 1-based): chr13:36,853,402, T>G on the plus strand (A>C on the coding strand, the complement: SMAD9 is on the minus strand). VCF-style: chr13-36853402-T-G. GRCh37 (hg19) VCF-style: chr13-37427539-T-G.
Other names: c.1149+17A>C (NM_005905.6, NM_001378621.1).
Identifiers: ClinVar variation 680403 (VCV000680403.6), dbSNP rs374987262, ClinGen allele CA6950350.

ClinVar aggregate classification (germline): Benign/Likely benign. Review status: criteria provided, multiple submitters, no conflicts (2 of 4 stars). 3 submissions from 3 submitters: Benign (1); Likely benign (2). Last evaluated 2025-12-31.

Conditions:
Pulmonary hypertension, primary, 2. Identifiers: Orphanet 422, MedGen C3888002, MONDO:0014134, OMIM 615342.

Allele frequency attached by ClinVar (database versions not stated): ESP Exome Variant Server 0.00008; gnomAD 0.00018 and 0.00022; TOPMed 0.00018; ExAC 0.00038; gnomAD exomes 0.00035.
gnomAD v4.1: 629 of 1,613,284 alleles (0.039%); highest among the groups gnomAD compares: South Asian, 0.13%; 3 homozygotes.

Submissions (3):

Labcorp Genetics (formerly Invitae), Labcorp
Classification: Benign for Pulmonary hypertension, primary, 2. Last evaluated: 2025-12-31. Review status: criteria provided, single submitter. Criteria: Invitae Variant Classification Sherloc (09022015). Collection method: clinical testing. Allele origin: germline.

Fulgent Genetics
Classification: Likely benign for Pulmonary hypertension, primary, 2. Last evaluated: 2021-11-02. Review status: criteria provided, single submitter. Criteria: ACMG Guidelines, 2015. Collection method: clinical testing. Allele origin: unknown.

GeneDx
Classification: Likely benign. Last evaluated: 2018-03-14. Review status: criteria provided, single submitter. Criteria: GeneDx Variant Classification (06012015). Collection method: clinical testing. Allele origin: germline. Affected: yes.
Comment: This variant is considered likely benign or benign based on one or more of the following criteria: it is a conservative change, it occurs at a poorly conserved position in the protein, it is predicted to be benign by multiple in silico algorithms, and/or has population frequency not consistent with disease.